The following is an entry in ClinVar:

ClinVar aggregate classification (germline): Uncertain significance (1 of 4 stars; one submission).

Conditions:
Hereditary cancer-predisposing syndrome. Also called: Tumor predisposition; Hereditary neoplastic syndrome; Neoplastic Syndromes, Hereditary; Hereditary Cancer Syndrome. Identifiers: Orphanet 140162, MedGen C0027672, MeSH D009386, MONDO:0015356.

Submission:

Ambry Genetics
Classification: Uncertain significance for Hereditary cancer-predisposing syndrome. Last evaluated: 2025-06-01. Review status: criteria provided, single submitter. Criteria: Ambry Variant Classification Scheme 2023. Collection method: clinical testing. Allele origin: germline.
Comment: The p.I487T variant (also known as c.1460T>C), located in coding exon 10 of the FH gene, results from a T to C substitution at nucleotide position 1460. The isoleucine at codon 487 is replaced by threonine, an amino acid with similar properties. This amino acid position is conserved. In addition, the in silico prediction for this alteration is inconclusive. Based on the available evidence, the clinical significance of this variant remains unclear.

NM_000143.4(FH):c.1460T>C (p.Ile487Thr)

Gene: FH (fumarate hydratase; minus strand). Cytogenetic location: 1q43.
Variant type: single nucleotide variant.
Coding change: c.1460T>C on transcript NM_000143.4 (MANE Select); coding-DNA position 1460, T replaced by C.
Protein change: p.Ile487Thr; replaces isoleucine 487 with threonine.
Molecular consequence: missense variant.
Genome position (GRCh38, 1-based): chr1:241,497,901, A>G on the plus strand (T>C on the coding strand, the complement: FH is on the minus strand). VCF-style: chr1-241497901-A-G. GRCh37 (hg19) VCF-style: chr1-241661201-A-G.
Other names: short protein forms I487T.
Identifiers: ClinVar variation 4024838 (VCV004024838.1).